The following is an entry in ClinVar:

ClinVar aggregate classification (germline): Benign. Review status: criteria provided, multiple submitters, no conflicts (2 of 4 stars). 2 submissions from 2 submitters: Benign (2). Last evaluated 2018-06-14.

Allele frequency attached by ClinVar (database versions not stated): 1000 Genomes Project 0.55651; 1000 Genomes Project 30x 0.56230; TOPMed 0.62750; gnomAD 0.64025 and 0.64414; gnomAD exomes 0.65355.
gnomAD v4.1: 238,062 of 367,482 alleles (65%); highest among the groups gnomAD compares: Non-Finnish European, 69%; 78,964 homozygotes.

Submissions (2):

GeneDx
Classification: Benign. Last evaluated: 2018-06-14. Review status: criteria provided, single submitter. Criteria: GeneDx Variant Classification (06012015). Collection method: clinical testing. Allele origin: germline. Affected: yes.
Comment: This variant is considered likely benign or benign based on one or more of the following criteria: it is a conservative change, it occurs at a poorly conserved position in the protein, it is predicted to be benign by multiple in silico algorithms, and/or has population frequency not consistent with disease.

Breakthrough Genomics
Classification: Benign. Review status: criteria provided, single submitter. Criteria: ACMG Guidelines, 2015. Collection method: not provided. Allele origin: germline. Inheritance: Autosomal recessive inheritance. Affected: yes.

NM_032578.4(MYPN):c.1483+224T>A

Gene: MYPN (myopalladin; plus strand). Cytogenetic location: 10q21.3.
Variant type: single nucleotide variant.
Coding change: c.1483+224T>A on transcript NM_032578.4 (MANE Select); 224 bases into the intron after coding-DNA position 1483, T replaced by A.
Molecular consequence: intron variant.
Genome position (GRCh38, 1-based): chr10:68,161,976, T>A. VCF-style: chr10-68161976-T-A. GRCh37 (hg19) VCF-style: chr10-69921733-T-A.
Other names: c.1483+224T>A (NM_001256267.2); c.601+224T>A (NM_001256268.2).
Identifiers: ClinVar variation 678537 (VCV000678537.2), dbSNP rs2255136, ClinGen allele CA13193290.